The following is an entry in ClinVar:

Single allele

Genes: BRCA1 (BRCA1 DNA repair associated; minus strand), NBR2 (neighbor of BRCA1 lncRNA 2; plus strand), LOC111589215 (BRCA1 promoter region; plus strand), LOC111589216 (BRCA1 intron 2 regulatory region; plus strand), LOC126862571 (BRD4-independent group 4 enhancer GRCh37_chr17:41243136-41244335; plus strand) and 1 more. Cytogenetic location: 17q21.31.
Variant type: Deletion.
Identifiers: ClinVar variation 560136 (VCV000560136.3).

ClinVar aggregate classification (germline): Pathogenic (1 of 4 stars; one submission).

Conditions:
Breast-ovarian cancer, familial, susceptibility to, 1 (BROVCA1). Also called: BRCA1 Hereditary Breast and Ovarian Cancer; OVARIAN CANCER, SUSCEPTIBILITY TO. Identifiers: Orphanet 145, MedGen C2676676, MONDO:0011450, OMIM 604370. Disease mechanism: loss of function.

Submission:

Geisinger Autism and Developmental Medicine Institute, Geisinger Health System
Classification: Pathogenic for Breast-ovarian cancer, familial, susceptibility to, 1. Last evaluated: 2018-03-30. Review status: criteria provided, single submitter. Criteria: ACMG CNV Guidelines, 2011. Collection method: provider interpretation. Allele origin: unknown. Affected: yes.